The following is an entry in ClinVar:

ClinVar aggregate classification (germline): Uncertain significance (1 of 4 stars; one submission).

Allele frequency attached by ClinVar (database versions not stated): gnomAD exomes below 0.00001; TOPMed 0.00001; gnomAD 0.00003.
gnomAD v4.1: 9 of 1,551,790 alleles (0.00058%); highest among the groups gnomAD compares: Non-Finnish European, 0.00078%; no homozygotes.

Submission:

Labcorp Genetics (formerly Invitae), Labcorp
Classification: Uncertain significance. Last evaluated: 2022-09-01. Review status: criteria provided, single submitter. Criteria: Invitae Variant Classification Sherloc (09022015). Collection method: clinical testing. Allele origin: germline.
Comment: This sequence change replaces proline, which is neutral and non-polar, with threonine, which is neutral and polar, at codon 356 of the KPNA7 protein (p.Pro356Thr). This variant is present in population databases (no rsID available, gnomAD 0.007%). This variant has not been reported in the literature in individuals affected with KPNA7-related conditions. ClinVar contains an entry for this variant (Variation ID: 966497). Algorithms developed to predict the effect of missense changes on protein structure and function are either unavailable or do not agree on the potential impact of this missense change (SIFT: "Tolerated"; PolyPhen-2: "Probably Damaging"; Align-GVGD: "Class C0"). In summary, the available evidence is currently insufficient to determine the role of this variant in disease. Therefore, it has been classified as a Variant of Uncertain Significance.

NM_001145715.3(KPNA7):c.1066C>A (p.Pro356Thr)

Gene: KPNA7 (karyopherin subunit alpha 7; minus strand). Cytogenetic location: 7q22.1.
Variant type: single nucleotide variant.
Coding change: c.1066C>A on transcript NM_001145715.3 (MANE Select); coding-DNA position 1066, C replaced by A.
Protein change: p.Pro356Thr; replaces proline 356 with threonine.
Molecular consequence: missense variant.
Genome position (GRCh38, 1-based): chr7:99,184,997, G>T on the plus strand (C>A on the coding strand, the complement: KPNA7 is on the minus strand). VCF-style: chr7-99184997-G-T. GRCh37 (hg19) VCF-style: chr7-98782620-G-T.
Other names: short protein forms P356T.
Identifiers: ClinVar variation 966497 (VCV000966497.7), dbSNP rs1180499728, ClinGen allele CA368419203.